The following is an entry in ClinVar:

NM_002474.3(MYH11):c.3002G>A (p.Arg1001Gln)

Gene: MYH11 (myosin heavy chain 11; minus strand). Cytogenetic location: 16p13.11.
Variant type: single nucleotide variant.
Coding change: c.3002G>A on transcript NM_002474.3 (MANE Select); coding-DNA position 3002, G replaced by A.
Protein change: p.Arg1001Gln; replaces arginine 1001 with glutamine.
Molecular consequence: missense variant.
Genome position (GRCh38, 1-based): chr16:15,738,684, C>T on the plus strand (G>A on the coding strand, the complement: MYH11 is on the minus strand). VCF-style: chr16-15738684-C-T. GRCh37 (hg19) VCF-style: chr16-15832541-C-T.
Other names: c.3023G>A, p.Arg1008Gln (NM_001040113.2, NM_001040114.2); c.3002G>A, p.Arg1001Gln (NM_022844.3); short protein forms R1001Q, R1008Q.
Identifiers: ClinVar variation 1321074 (VCV001321074.6), dbSNP rs376622843, ClinGen allele CA7922110.
Genomic context (GRCh38, chr16:15,738,684, plus strand): 5'-TTTTCTTCCTCTTCTGCAAGATTTGTCGTTAAGTCACTAATCCTCTCCTCAAGGAGTTTT[C>T]GTTCCTTTTTGGGGAAAGAGAAAGAGATAGCTTTAGGATTTTTCTTTTCTCTAGAATCTA-3'
Protein context (NP_002465.1, residues 991-1011): DDQNNKLSKE[Arg1001Gln]KLLEERISDL

ClinVar aggregate classification (germline): Uncertain significance. Review status: criteria provided, multiple submitters, no conflicts (2 of 4 stars). 3 submissions from 3 submitters: Uncertain significance (3). Last evaluated 2025-06-10.

Conditions:
Familial thoracic aortic aneurysm and aortic dissection (TAAD). Also called: Thoracic aortic aneurysms and dissections. Identifiers: Orphanet 91387, MedGen C4707243, MONDO:0019625.

Allele frequency attached by ClinVar (database versions not stated): gnomAD exomes below 0.00001; ExAC 0.00001; gnomAD 0.00001; TOPMed 0.00001; ESP Exome Variant Server 0.00008.
gnomAD v4.1: 7 of 1,613,606 alleles (0.00043%); highest among the groups gnomAD compares: Admixed American, 0.0017%; no homozygotes.

Submissions (3):

Ambry Genetics
Classification: Uncertain significance for Familial thoracic aortic aneurysm and aortic dissection. Last evaluated: 2025-06-10. Review status: criteria provided, single submitter. Criteria: Ambry Variant Classification Scheme 2023. Collection method: clinical testing. Allele origin: germline.
Comment: The p.R1001Q variant (also known as c.3002G>A), located in coding exon 23 of the MYH11 gene, results from a G to A substitution at nucleotide position 3002. The arginine at codon 1001 is replaced by glutamine, an amino acid with highly similar properties. This amino acid position is well conserved in available vertebrate species. In addition, the in silico prediction for this alteration is inconclusive. Based on the available evidence, the clinical significance of this variant remains unclear.

GeneDx
Classification: Uncertain significance. Last evaluated: 2025-03-04. Review status: criteria provided, single submitter. Criteria: GeneDx Variant Classification Process June 2021. Collection method: clinical testing. Allele origin: germline. Affected: yes.
Comment: Has not been previously published as pathogenic or benign to our knowledge; Not observed at significant frequency in large population cohorts (gnomAD); In silico analysis indicates that this missense variant does not alter protein structure/function

Color Diagnostics, LLC DBA Color Health
Classification: Uncertain significance for Familial thoracic aortic aneurysm and aortic dissection. Last evaluated: 2022-05-16. Review status: criteria provided, single submitter. Criteria: ACMG Guidelines, 2015. Collection method: clinical testing. Allele origin: germline.
Comment: This missense variant replaces arginine with glutamine at codon 1008 of the MYH11 protein. Computational prediction is inconclusive regarding the impact of this variant on protein structure and function (internally defined REVEL score threshold 0.5 < inconclusive < 0.7, PMID: 27666373). To our knowledge, functional studies have not been reported for this variant. This variant has not been reported in individuals affected with cardiovascular disorders in the literature. This variant has been identified in 1/251216 chromosomes in the general population by the Genome Aggregation Database (gnomAD). The available evidence is insufficient to determine the role of this variant in disease conclusively. Therefore, this variant is classified as a Variant of Uncertain Significance.